The following is an entry in ClinVar:

ClinVar aggregate classification (germline): Uncertain significance. Review status: criteria provided, multiple submitters, no conflicts (2 of 4 stars). 4 submissions from 4 submitters: Uncertain significance (3). 1 of the submissions does not count toward it. Last evaluated 2024-08-20.

Conditions:
SLC5A2-related disorder. Also called: SLC5A2-related condition.
Familial renal glucosuria (GLYS). Also called: Familial renal glycosuria; RENAL GLUCOSURIA, AUTOSOMAL DOMINANT. Identifiers: Orphanet 69076, MedGen C3245525, MONDO:0009297, OMIM 233100.
Prostate cancer. Also called: Malignant tumor of prostate. Identifiers: Orphanet 1331, MedGen C0376358, MONDO:0008315, HP:0012125.

Allele frequency attached by ClinVar (database versions not stated): TOPMed 0.00001; gnomAD exomes 0.00002; ExAC 0.00002; gnomAD 0.00002.
gnomAD v4.1: 16 of 1,613,116 alleles (0.00099%); highest among the groups gnomAD compares: Admixed American, 0.01%; no homozygotes.

Submissions (4):

GeneDx
Classification: Uncertain significance. Last evaluated: 2024-08-20. Review status: criteria provided, single submitter. Criteria: GeneDx Variant Classification Process June 2021. Collection method: clinical testing. Allele origin: germline. Affected: yes.
Comment: In silico analysis supports that this missense variant has a deleterious effect on protein structure/function; This variant is associated with the following publications: (PMID: 32111189, 38344682, 16518345, 28275387)

PreventionGenetics, part of Exact Sciences
Classification: Uncertain significance for SLC5A2-related condition. Last evaluated: 2023-10-11. Review status: criteria provided, single submitter. Criteria: ACMG Guidelines, 2015. Collection method: clinical testing. Allele origin: germline.
Comment: The SLC5A2 c.395G>A variant is predicted to result in the amino acid substitution p.Arg132His. This variant was reported with a second SLC5A2 variant in an individual with glucosuria and inherited from an apparently unaffected mother (Calado et al 2006. PubMed ID: 16518345). The c.395G>A variant was also reported in a child and father with glucosuria, suggesting possible autosomal dominant inheritance (Yu L. et al. 2020. PubMed ID: 32111189). A different amino acid substitution at this position (p.Arg132Cys) has also been reported with a second SLC5A2 variant in at least two individuals with glucosuria (Wang et al. 2018. PubMed ID: 30593819; Hureaux et al. 2019. PubMed ID: 31672324). This variant is reported in 0.017% of alleles in individuals of Latino descent in gnomAD. Although we suspect this variant could be pathogenic, at this time, the clinical significance and mode of inheritance of this variant is uncertain due to the absence of conclusive functional and genetic evidence.

Revvity Omics, Revvity
Classification: Uncertain significance for Familial renal glucosuria. Last evaluated: 2019-08-01. Review status: criteria provided, single submitter. Criteria: ACMG Guidelines, 2015. Collection method: clinical testing. Allele origin: germline.

Science for Life laboratory,  Karolinska Institutet
Classification: Uncertain significance for Malignant tumor of prostate. Review status: no assertion criteria provided. Collection method: not provided. Allele origin: somatic. Not counted in ClinVar's aggregate classification.
Comment: TumorID:SWE-13
ClinVar note: Converted during submission from Unknown to Uncertain significance.

NM_003041.4(SLC5A2):c.395G>A (p.Arg132His)

Gene: SLC5A2 (solute carrier family 5 member 2; plus strand). Cytogenetic location: 16p11.2.
Variant type: single nucleotide variant.
Coding change: c.395G>A on transcript NM_003041.4 (MANE Select); coding-DNA position 395, G replaced by A.
Protein change: p.Arg132His; replaces arginine 132 with histidine.
Molecular consequence: missense variant. On other transcripts: non-coding transcript variant (1).
Genome position (GRCh38, 1-based): chr16:31,485,820, G>A. VCF-style: chr16-31485820-G-A. GRCh37 (hg19) VCF-style: chr16-31497141-G-A.
Other names: short protein forms R132H.
Identifiers: ClinVar variation 161605 (VCV000161605.7), dbSNP rs193920818, ClinGen allele CA174434.